The following is an entry in ClinVar:

NM_001278116.2(L1CAM):c.1495G>A (p.Ala499Thr)

Gene: L1CAM (L1 cell adhesion molecule; minus strand). Cytogenetic location: Xq28.
Variant type: single nucleotide variant.
Coding change: c.1495G>A on transcript NM_001278116.2 (MANE Select); coding-DNA position 1495, G replaced by A.
Protein change: p.Ala499Thr; replaces alanine 499 with threonine.
Molecular consequence: missense variant.
Genome position (GRCh38, 1-based): chrX:153,868,612, C>T on the plus strand (G>A on the coding strand, the complement: L1CAM is on the minus strand). VCF-style: chrX-153868612-C-T. GRCh37 (hg19) VCF-style: chrX-153134067-C-T.
Other names: c.1495G>A, p.Ala499Thr (NM_000425.5, NM_024003.3); c.1480G>A, p.Ala494Thr (NM_001143963.2); short protein forms A494T, A499T.
Identifiers: ClinVar variation 4076856 (VCV004076856.1).
Genomic context (GRCh38, chrX:153,868,612, plus strand): 5'-TTGCCTGACCTTTAACCTTCAGGTTAGCCATGATGGTAACATTGTTTTGGTCATTGGCAG[C>T]CAGGCAGAAGTAGCGTCCGGTGTCATTGGCCTGGAGGTCTCGAATGCCCAGGGTCCCATT-3'
Protein context (NP_001265045.1, residues 489-509): ANDTGRYFCL[Ala499Thr]ANDQNNVTIM

ClinVar aggregate classification (germline): Uncertain significance (1 of 4 stars; one submission).

gnomAD v4.1: 2 of 1,210,500 alleles (0.00017%); highest among the groups gnomAD compares: African/African-American, 0.0035%; no homozygotes.

Submission:

GeneDx
Classification: Uncertain significance. Last evaluated: 2025-02-24. Review status: criteria provided, single submitter. Criteria: GeneDx Variant Classification Process June 2021. Collection method: clinical testing. Allele origin: germline. Affected: yes.
Comment: Not observed at significant frequency in large population cohorts (gnomAD); In silico analysis supports that this missense variant has a deleterious effect on protein structure/function; Has not been previously published as pathogenic or benign to our knowledge